The following is an entry in ClinVar:

ClinVar aggregate classification (germline): Uncertain significance (0 of 4 stars; one submission).

Conditions:
EP300-related disorder. Also called: EP300-related condition; EP300-related disorders.

Submission:

PreventionGenetics, part of Exact Sciences
Classification: Uncertain significance for EP300-related condition. Last evaluated: 2024-01-31. Review status: no assertion criteria provided. Collection method: clinical testing. Allele origin: germline.
Comment: The EP300 c.5156A>G variant is predicted to result in the amino acid substitution p.Gln1719Arg. To our knowledge, this variant has not been reported in the literature or in a large population database, indicating this variant is rare. At this time, the clinical significance of this variant is uncertain due to the absence of conclusive functional and genetic evidence.

NM_001429.4(EP300):c.5156A>G (p.Gln1719Arg)

Gene: EP300 (E1A binding protein p300; plus strand). Cytogenetic location: 22q13.2.
Variant type: single nucleotide variant.
Coding change: c.5156A>G on transcript NM_001429.4 (MANE Select); coding-DNA position 5156, A replaced by G.
Protein change: p.Gln1719Arg; replaces glutamine 1719 with arginine.
Molecular consequence: missense variant.
Genome position (GRCh38, 1-based): chr22:41,176,867, A>G. VCF-style: chr22-41176867-A-G. GRCh37 (hg19) VCF-style: chr22-41572871-A-G.
Other names: c.5078A>G, p.Gln1693Arg (NM_001362843.2); short protein forms Q1693R, Q1719R.
Identifiers: ClinVar variation 3349426 (VCV003349426.1).
Genomic context (GRCh38, chr22:41,176,867, plus strand): 5'-AAAACCATGACCACAAAATGGAGAAACTAGGCCTTGGCTTAGATGATGAGAGCAACAACC[A>G]GCAGGCTGCAGCCACCCAGAGCCCAGGCGATTCTCGCCGCCTGAGTATCCAGCGCTGCAT-3'
Protein context (NP_001420.2, residues 1709-1729): GLGLDDESNN[Gln1719Arg]QAAATQSPGD